The following is an entry in ClinVar:

NM_001854.4(COL11A1):c.5323A>C (p.Ile1775Leu)

Gene: COL11A1 (collagen type XI alpha 1 chain; minus strand). Cytogenetic location: 1p21.1.
Variant type: single nucleotide variant.
Coding change: c.5323A>C on transcript NM_001854.4 (MANE Select); coding-DNA position 5323, A replaced by C.
Protein change: p.Ile1775Leu; replaces isoleucine 1775 with leucine.
Molecular consequence: missense variant. On other transcripts: non-coding transcript variant (1).
Genome position (GRCh38, 1-based): chr1:102,878,117, T>G on the plus strand (A>C on the coding strand, the complement: COL11A1 is on the minus strand). VCF-style: chr1-102878117-T-G. GRCh37 (hg19) VCF-style: chr1-103343673-T-G.
Other names: c.4975A>C, p.Ile1659Leu (NM_001168249.1, NM_080630.4); c.5206A>C, p.Ile1736Leu (NM_001190709.2); c.5359A>C, p.Ile1787Leu (NM_080629.3); short protein forms I1736L, I1787L, I1659L, I1775L.
Identifiers: ClinVar variation 2977616 (VCV002977616.3), dbSNP rs1649729602, ClinGen allele CA341210602.

ClinVar aggregate classification (germline): Uncertain significance (1 of 4 stars; one submission).

Allele frequency attached by ClinVar (database versions not stated): gnomAD exomes below 0.00001.
gnomAD v4.1: 1 of 1,613,242 alleles (0.000062%); highest among the groups gnomAD compares: South Asian, 0.0011%; no homozygotes.

Submission:

Labcorp Genetics (formerly Invitae), Labcorp
Classification: Uncertain significance. Last evaluated: 2022-12-27. Review status: criteria provided, single submitter. Criteria: Invitae Variant Classification Sherloc (09022015). Collection method: clinical testing. Allele origin: germline.
Comment: This sequence change replaces isoleucine, which is neutral and non-polar, with leucine, which is neutral and non-polar, at codon 1775 of the COL11A1 protein (p.Ile1775Leu). In summary, the available evidence is currently insufficient to determine the role of this variant in disease. Therefore, it has been classified as a Variant of Uncertain Significance. Advanced modeling of protein sequence and biophysical properties (such as structural, functional, and spatial information, amino acid conservation, physicochemical variation, residue mobility, and thermodynamic stability) performed at Invitae indicates that this missense variant is not expected to disrupt COL11A1 protein function. This variant has not been reported in the literature in individuals affected with COL11A1-related conditions. This variant is not present in population databases (gnomAD no frequency).